The following is an entry in ClinVar:

NM_004586.3(RPS6KA3):c.655A>G (p.Ile219Val)

Gene: RPS6KA3 (ribosomal protein S6 kinase A3; minus strand). Cytogenetic location: Xp22.12.
Variant type: single nucleotide variant.
Coding change: c.655A>G on transcript NM_004586.3 (MANE Select); coding-DNA position 655, A replaced by G.
Protein change: p.Ile219Val; replaces isoleucine 219 with valine.
Molecular consequence: missense variant.
Genome position (GRCh38, 1-based): chrX:20,187,947, T>C on the plus strand (A>G on the coding strand, the complement: RPS6KA3 is on the minus strand). VCF-style: chrX-20187947-T-C. GRCh37 (hg19) VCF-style: chrX-20206065-T-C.
Other names: short protein forms I219V.
Identifiers: ClinVar variation 3030920 (VCV003030920.3), dbSNP rs1428809534, ClinGen allele CA412508569.

ClinVar aggregate classification (germline): Uncertain significance. Review status: criteria provided, single submitter (1 of 4 stars). 2 submissions from 2 submitters: Uncertain significance (1). 1 of the submissions does not count toward it. Last evaluated 2025-04-13.

Conditions:
Inborn genetic diseases. Identifiers: MedGen C0950123, MeSH D030342.
RPS6KA3-related disorder. Also called: RPS6KA3-related condition.

Allele frequency attached by ClinVar (database versions not stated): gnomAD exomes 0.00002; TOPMed 0.00001; gnomAD 0.00002.
gnomAD v4.1: 29 of 1,205,568 alleles (0.0024%); highest among the groups gnomAD compares: Non-Finnish European, 0.003%; no homozygotes.

Submissions (2):

Ambry Genetics
Classification: Uncertain significance for Inborn genetic diseases. Last evaluated: 2025-04-13. Review status: criteria provided, single submitter. Criteria: Ambry Variant Classification Scheme 2023. Collection method: clinical testing. Allele origin: germline.

PreventionGenetics, part of Exact Sciences
Classification: Uncertain significance for RPS6KA3-related condition. Last evaluated: 2024-02-19. Review status: no assertion criteria provided. Collection method: clinical testing. Allele origin: germline. Not counted in ClinVar's aggregate classification.
Comment: The RPS6KA3 c.655A>G variant is predicted to result in the amino acid substitution p.Ile219Val. To our knowledge, this variant has not been reported in the literature. This variant is reported in 0.0024% of alleles in individuals of European (Non-Finnish) descent in gnomAD. At this time, the clinical significance of this variant is uncertain due to the absence of conclusive functional and genetic evidence.